The following is an entry in ClinVar:

NM_000080.4(CHRNE):c.1072_1081del (p.Pro358fs)

Genes: CHRNE (cholinergic receptor nicotinic epsilon subunit; minus strand), LOC130060041 (ATAC-STARR-seq lymphoblastoid silent region 8050; plus strand). Cytogenetic location: 17p13.2.
Variant type: Deletion.
Coding change: c.1072_1081del on transcript NM_000080.4 (MANE Select); coding-DNA positions 1072 to 1081, 10 bases deleted (CCGCCGCCCG; older notation c.1072_1081delCCGCCGCCCG).
Protein change: p.Pro358fs; shifts the reading frame from proline 358.
Molecular consequence: frameshift variant.
Genome position (GRCh38, 1-based): chr17:4,899,336-4,899,345, CGGGCGGCGG deleted on the plus strand (CCGCCGCCCG on the coding strand, the reverse complement: CHRNE is on the minus strand); deleting any 10 consecutive bases within chr17:4,899,336-4,899,349 gives the same sequence; the c. name uses the placement nearest the transcript's 3' end. VCF-style (leftmost placement, unchanged base first): chr17-4899335-TCGGGCGGCGG-T. GRCh37 (hg19) VCF-style: chr17-4802630-TCGGGCGGCGG-T.
Other names: short protein forms P358fs.
Identifiers: ClinVar variation 2833633 (VCV002833633.3), dbSNP rs2507541898, ClinGen allele CA2739267062.

ClinVar aggregate classification (germline): Pathogenic (1 of 4 stars; one submission).

Conditions:
Congenital myasthenic syndrome 4A. Also called: CONGENITAL MYASTHENIC SYNDROME TYPE Ia1; Myasthenic syndrome, congenital, 4a, slow-channel; MYASTHENIC SYNDROME, CONGENITAL, 4A, SLOW-CHANNEL, AUTOSOMAL RECESSIVE. Identifiers: Orphanet 590, MedGen C4225413, MONDO:0011600, OMIM 605809.

Submission:

Labcorp Genetics (formerly Invitae), Labcorp
Classification: Pathogenic for Congenital myasthenic syndrome 4A. Last evaluated: 2024-02-04. Review status: criteria provided, single submitter. Criteria: Invitae Variant Classification Sherloc (09022015). Collection method: clinical testing. Allele origin: germline.
Comment: This sequence change creates a premature translational stop signal (p.Pro358Argfs*24) in the CHRNE gene. It is expected to result in an absent or disrupted protein product. Loss-of-function variants in CHRNE are known to be pathogenic (PMID: 22678886). This variant is not present in population databases (gnomAD no frequency). This variant has not been reported in the literature in individuals affected with CHRNE-related conditions. For these reasons, this variant has been classified as Pathogenic.

Literature cited by the submitters: PubMed 22678886.